The following is an entry in ClinVar:

NM_001204.7(BMPR2):c.2687A>G (p.Glu896Gly)

Gene: BMPR2 (bone morphogenetic protein receptor type 2; plus strand). Cytogenetic location: 2q33.2.
Variant type: single nucleotide variant.
Coding change: c.2687A>G on transcript NM_001204.7 (MANE Select); coding-DNA position 2687, A replaced by G.
Protein change: p.Glu896Gly; replaces glutamic acid 896 with glycine.
Molecular consequence: missense variant.
Genome position (GRCh38, 1-based): chr2:202,556,352, A>G. VCF-style: chr2-202556352-A-G. GRCh37 (hg19) VCF-style: chr2-203421075-A-G.
Other names: short protein forms E896G.
Identifiers: ClinVar variation 3992061 (VCV003992061.1).

ClinVar aggregate classification (germline): Uncertain significance (1 of 4 stars; one submission).

Conditions:
Inborn genetic diseases. Identifiers: MedGen C0950123, MeSH D030342.

gnomAD v4.1: 5 of 1,614,202 alleles (0.00031%); highest among the groups gnomAD compares: Non-Finnish European, 0.00042%; no homozygotes.

Submission:

Ambry Genetics
Classification: Uncertain significance for Inborn genetic diseases. Last evaluated: 2025-03-24. Review status: criteria provided, single submitter. Criteria: Ambry Variant Classification Scheme 2023. Collection method: clinical testing. Allele origin: germline.
Comment: The p.E896G variant (also known as c.2687A>G), located in coding exon 12 of the BMPR2 gene, results from an A to G substitution at nucleotide position 2687. The glutamic acid at codon 896 is replaced by glycine, an amino acid with similar properties. This amino acid position is conserved. In addition, the in silico prediction for this alteration is inconclusive. Based on the available evidence, the clinical significance of this variant remains unclear.